The following continues an entry in ClinVar:

NM_001005242.3(PKP2):c.1930T>C (p.Ser644Pro)

Gene: PKP2. ClinVar aggregate classification (germline): Conflicting classifications of pathogenicity. Likely pathogenic (2); Uncertain significance (12).

Submissions 7 to 16 of 16:

Illumina Laboratory Services, Illumina
Classification: Uncertain significance for Arrhythmogenic right ventricular dysplasia 9. Last evaluated: 2024-02-09. Review status: criteria provided, single submitter. Criteria: ISL SNV Classification Criteria 03 February 2026. Collection method: clinical testing. Allele origin: unknown.
Comment: The PKP2 c.1930T>C p.(Ser644Pro) missense variant, which is also referred to as c.2062T>C p.(Ser688Pro), has been reported in at least 13 unrelated individuals with arrhythmogenic right ventricular cardiomyopathy (ARVC) (PMID: 16567567; 20031616; 21606390; 21606396; 21636032; 22019812; 25820315; 27532257; 31386562; 31319917; 32522011; 35819174). It has also been reported in association with sudden unexplained death in the young and myocarditis (PMID: 29915097; 28359509; 36175056). The highest frequency of this allele in the Genome Aggregation Database is 0.000441 in the African/African American population (version 2.1.1). This frequency is high but may be consistent with reduced penetrance. Missense variants in this gene are not the typical mechanism of disease, but multiple lines of computational evidence suggest the variant may impact the gene or gene product. Based on the available evidence, the c.1930T>C p.(Ser644Pro) variant is classified as a variant of uncertain significance for arrhythmogenic right ventricular cardiomyopathy.

Mayo Clinic Laboratories, Mayo Clinic
Classification: Uncertain significance. Last evaluated: 2022-06-30. Review status: criteria provided, single submitter. Criteria: ACMG Guidelines, 2015. Collection method: clinical testing. Allele origin: germline. Observed: 1 variant allele.
Comment: PP3

Laboratory for Molecular Medicine, Mass General Brigham Personalized Medicine
Classification: Uncertain significance for Arrhythmogenic right ventricular cardiomyopathy. Last evaluated: 2021-10-06. Review status: criteria provided, single submitter. Criteria: ACMG Guidelines, 2015. Collection method: clinical testing. Allele origin: germline.
Comment: The p.Ser688Pro variant in PKP2 has been reported in 5 individuals with ARVC (van Tintelen 2006 PMID: 16567567, Quarta 2011 PMID: 21606390, and Zhang 2012 PMID: 22019812, Walsh 2017 PMID: 27532257, DeWitt 2019 PMID: 31319917, van Lint 2019 PMID: 31386562), in 1 individual with sudden unexplained death in the young (SUDY) (Shanks 2018 PMID: 29915097) and identified by our laboratory in 1 individual with DCM and ARVC and 2 individuals with ARVC. It has also been identified in 0.044% (11/24964) of European chromosomes by gnomAD. Computational prediction tools and conservation analyses suggest that this variant may impact the protein, though this information is not predictive enough to determine pathogenicity. In summary, the clinical significance of this variant is uncertain. ACMG/AMP Criteria applied: PS4_Moderate, PP3.

CHEO Genetics Diagnostic Laboratory, Children's Hospital of Eastern Ontario
Classification: Uncertain significance for Cardiomyopathy. Last evaluated: 2021-09-13. Review status: criteria provided, single submitter. Criteria: ACMG Guidelines, 2015. Collection method: clinical testing. Allele origin: germline.

Revvity Omics, Revvity
Classification: Uncertain significance for Arrhythmogenic right ventricular dysplasia 9. Last evaluated: 2019-07-15. Review status: criteria provided, single submitter. Criteria: ACMG Guidelines, 2015. Collection method: clinical testing. Allele origin: germline.

Mendelics
Classification: Uncertain significance for Arrhythmogenic right ventricular dysplasia 9. Last evaluated: 2019-05-28. Review status: criteria provided, single submitter. Criteria: Mendelics Assertion Criteria 2017. Collection method: clinical testing. Allele origin: unknown.

Molecular Diagnostic Laboratory for Inherited Cardiovascular Disease, Montreal Heart Institute
Classification: Uncertain significance for Familial isolated arrhythmogenic right ventricular dysplasia. Last evaluated: 2017-06-28. Review status: criteria provided, single submitter. Criteria: ACMG Guidelines, 2015. Collection method: clinical testing. Allele origin: germline. Affected: yes.

Clinical Genetics DNA and cytogenetics Diagnostics Lab, Erasmus MC, Erasmus Medical Center
Classification: Uncertain significance for Arrhythmogenic right ventricular dysplasia 9. Last evaluated: 2017-05-31. Review status: criteria provided, single submitter. Criteria: ACGS Guidelines, 2013. Collection method: clinical testing. Allele origin: germline. Affected: yes. Study: VKGL Data-share Consensus.

CSER _CC_NCGL, University of Washington
Classification: Uncertain significance for Arrhythmogenic right ventricular dysplasia. Last evaluated: 2014-06-01. Review status: no assertion criteria provided. Collection method: research. Allele origin: germline. Inheritance: Autosomal dominant inheritance. Study: ESP 6500 variant annotation. Not counted in ClinVar's aggregate classification.
Comment: Variants classified for the Actionable exomic incidental findings in 6503 participants: challenges of variant classification manuscript

Clinical Genetics, Academic Medical Center
Classification: Uncertain significance. Review status: no assertion criteria provided. Collection method: clinical testing. Allele origin: germline. Affected: yes. Study: VKGL Data-share Consensus. Not counted in ClinVar's aggregate classification.

Literature cited by the submitters: PubMed 16567567 (cited by 7 submitters); PubMed 21606390 (cited by 7 submitters); PubMed 22019812 (cited by 7 submitters); PubMed 23299917 (cited by Ambry Genetics and Laboratory for Molecular Medicine, Mass General Brigham Personalized Medicine); PubMed 25637381 (cited by Ambry Genetics); PubMed 29915097 (cited by 6 submitters); PubMed 31319917 (cited by 7 submitters); PubMed 35819174 (cited by Ambry Genetics and Illumina Laboratory Services, Illumina); PubMed 36720007 (cited by 4 submitters); PubMed 27532257 (cited by 6 submitters); PubMed 32522011 (cited by 5 submitters); PubMed 20031616 (cited by 5 submitters); PubMed 21606396 (cited by 4 submitters); PubMed 25820315 (cited by 3 submitters); PubMed 28359509 (cited by 5 submitters); PubMed 37418234 (cited by All of Us Research Program, National Institutes of Health and Color Diagnostics, LLC DBA Color Health); PubMed 21636032 (cited by Illumina Laboratory Services, Illumina and Laboratory for Molecular Medicine, Mass General Brigham Personalized Medicine); PubMed 31386562 (cited by 3 submitters); PubMed 36175056 (cited by Illumina Laboratory Services, Illumina); PubMed 31402444 (cited by Mayo Clinic Laboratories, Mayo Clinic); PubMed 33232181 (cited by Mayo Clinic Laboratories, Mayo Clinic); PubMed 34120153 (cited by Mayo Clinic Laboratories, Mayo Clinic).